The following is an entry in ClinVar:

ClinVar aggregate classification (germline): Uncertain significance (1 of 4 stars; one submission).

Allele frequency attached by ClinVar (database versions not stated): gnomAD exomes below 0.00001.

Submission:

Labcorp Genetics (formerly Invitae), Labcorp
Classification: Uncertain significance. Last evaluated: 2022-07-29. Review status: criteria provided, single submitter. Criteria: Invitae Variant Classification Sherloc (09022015). Collection method: clinical testing. Allele origin: germline.
Comment: This sequence change affects codon 334 of the PROM1 mRNA. It is a 'silent' change, meaning that it does not change the encoded amino acid sequence of the PROM1 protein. This variant also falls at the last nucleotide of exon 8, which is part of the consensus splice site for this exon. This variant is present in population databases (no rsID available, gnomAD 0.003%). This variant has not been reported in the literature in individuals affected with PROM1-related conditions. ClinVar contains an entry for this variant (Variation ID: 1419927). Variants that disrupt the consensus splice site are a relatively common cause of aberrant splicing (PMID: 17576681, 9536098). Algorithms developed to predict the effect of sequence changes on RNA splicing suggest that this variant may disrupt the consensus splice site. In summary, the available evidence is currently insufficient to determine the role of this variant in disease. Therefore, it has been classified as a Variant of Uncertain Significance.

Literature cited by the submitters: PubMed 17576681; PubMed 9536098.

NM_006017.3(PROM1):c.1002G>A (p.Gln334=)

Gene: PROM1 (prominin 1; minus strand). Cytogenetic location: 4p15.32.
Variant type: single nucleotide variant.
Coding change: c.1002G>A on transcript NM_006017.3 (MANE Select); coding-DNA position 1002, G replaced by A.
Protein change: p.Gln334=; no amino-acid change (glutamine 334 retained).
Molecular consequence: synonymous variant.
Genome position (GRCh38, 1-based): chr4:16,018,323, C>T on the plus strand (G>A on the coding strand, the complement: PROM1 is on the minus strand). VCF-style: chr4-16018323-C-T. GRCh37 (hg19) VCF-style: chr4-16019946-C-T.
Other names: c.975G>A, p.Gln325= (NM_001145847.2, NM_001145848.2, NM_001145851.2 and 4 more transcripts); c.1002G>A, p.Gln334= (NM_001145849.2, NM_001145850.2).
Identifiers: ClinVar variation 1419927 (VCV001419927.6), dbSNP rs1275031408, ClinGen allele CA438381533.